The following is an entry in ClinVar:

NM_001035.3(RYR2):c.13984G>A (p.Gly4662Ser)

Gene: RYR2 (ryanodine receptor 2; plus strand). Cytogenetic location: 1q43.
Variant type: single nucleotide variant.
Coding change: c.13984G>A on transcript NM_001035.3 (MANE Select); coding-DNA position 13984, G replaced by A.
Protein change: p.Gly4662Ser; replaces glycine 4662 with serine.
Molecular consequence: missense variant.
Genome position (GRCh38, 1-based): chr1:237,798,064, G>A. VCF-style: chr1-237798064-G-A. GRCh37 (hg19) VCF-style: chr1-237961364-G-A.
Other names: c.13984G>A, p.Gly4662Ser (LRG_402t1); short protein forms G4662S.
Identifiers: ClinVar variation 264631 (VCV000264631.17), dbSNP rs886039213, ClinGen allele CA10587435.

ClinVar aggregate classification (germline): Uncertain significance. Review status: criteria provided, multiple submitters, no conflicts (2 of 4 stars). 8 submissions from 7 submitters: Uncertain significance (8). Last evaluated 2025-11-08.

Conditions:
Cardiovascular phenotype. Identifiers: MedGen CN230736.
Catecholaminergic polymorphic ventricular tachycardia (CVPT). Also called: Catecholamine-induced polymorphic ventricular tachycardia. Identifiers: Orphanet 3286, MedGen C5574922, MONDO:0017990.
Catecholaminergic polymorphic ventricular tachycardia 1. Also called: VENTRICULAR TACHYCARDIA, STRESS-INDUCED POLYMORPHIC 1; VENTRICULAR TACHYCARDIA, CATECHOLAMINERGIC POLYMORPHIC, 1, WITH OR WITHOUT ATRIAL DYSFUNCTION AND/OR DILATED CARDIOMYOPATHY; RYR2-Related Catecholaminergic Polymorphic Ventricular Tachycardia. Identifiers: Orphanet 3286, MedGen C1631597, MONDO:0011484, OMIM 604772.
Cardiomyopathy (CMYO). Also called: Cardiomyopathies. Identifiers: Orphanet 167848, MedGen C0878544, MONDO:0004994, HP:0001638. Inheritance: Various modes of inheritance.
Arrhythmogenic right ventricular dysplasia 2. Identifiers: MedGen C1832931.

Allele frequency attached by ClinVar (database versions not stated): gnomAD 0.00001; gnomAD exomes 0.00001; TOPMed 0.00001.
gnomAD v4.1: 21 of 1,610,896 alleles (0.0013%); highest among the groups gnomAD compares: East Asian, 0.0022%; no homozygotes.

Submissions (8):

Labcorp Genetics (formerly Invitae), Labcorp
Classification: Uncertain significance for Catecholaminergic polymorphic ventricular tachycardia 1. Last evaluated: 2025-11-08. Review status: criteria provided, single submitter. Criteria: Invitae Variant Classification Sherloc (09022015). Collection method: clinical testing. Allele origin: germline.
Comment: This sequence change replaces glycine, which is neutral and non-polar, with serine, which is neutral and polar, at codon 4662 of the RYR2 protein (p.Gly4662Ser). The frequency data for this variant in the population databases is considered unreliable, as metrics indicate poor data quality at this position in the gnomAD database. This missense change has been observed in individual(s) with catecholaminergic polymorphic ventricular tachycardia (PMID: 16272262, 32152366). ClinVar contains an entry for this variant (Variation ID: 264631). Invitae Evidence Modeling of protein sequence and biophysical properties (such as structural, functional, and spatial information, amino acid conservation, physicochemical variation, residue mobility, and thermodynamic stability) indicates that this missense variant is expected to disrupt RYR2 protein function with a positive predictive value of 95%. In summary, the available evidence is currently insufficient to determine the role of this variant in disease. Therefore, it has been classified as a Variant of Uncertain Significance.

Ambry Genetics
Classification: Uncertain significance for Cardiovascular phenotype. Last evaluated: 2025-08-21. Review status: criteria provided, single submitter. Criteria: Ambry Variant Classification Scheme 2023. Collection method: clinical testing. Allele origin: germline.
Comment: The p.G4662S variant (also known as c.13984G>A), located in coding exon 97 of the RYR2 gene, results from a G to A substitution at nucleotide position 13984. The glycine at codon 4662 is replaced by serine, an amino acid with similar properties. This variant co-occurred with a second RYR2 variant in an individual with features consistent with catecholaminergic polymorphic ventricular tachycardia (Postma AV et al. J Med Genet. 2005;42(11):863-70). This amino acid position is highly conserved in available vertebrate species. In addition, this alteration is predicted to be deleterious by in silico analysis. Based on the available evidence, the clinical significance of this variant remains unclear.

Color Diagnostics, LLC DBA Color Health
Classification: Uncertain significance for Cardiomyopathy. Last evaluated: 2025-06-19. Review status: criteria provided, single submitter. Criteria: ACMG Guidelines, 2015. Collection method: clinical testing. Allele origin: germline.
Comment: This missense variant replaces glycine with serine at codon 4662 of the RYR2 protein. Computational prediction suggests that this variant may have a deleterious impact on protein structure and function. To our knowledge, functional studies have not been reported for this variant. This variant has been reported in an individual affected with catecholaminergic polymorphic ventricular tachycardia (PMID: 16272262) and in another individual affected with or suspected of having catecholaminergic polymorphic ventricular tachycardia (PMID: 19926015). This variant has been identified in 4/274980 chromosomes in the general population by the Genome Aggregation Database (gnomAD). The available evidence is insufficient to determine the role of this variant in disease conclusively. Therefore, this variant is classified as a Variant of Uncertain Significance.

All of Us Research Program, National Institutes of Health
Classification: Uncertain significance for Catecholaminergic polymorphic ventricular tachycardia. Last evaluated: 2023-05-04. Review status: criteria provided, single submitter. Criteria: ACMG Guidelines, 2015. Collection method: clinical testing. Allele origin: germline. Inheritance: Autosomal dominant inheritance. Observed: 3 variant alleles, 3 heterozygotes.
Comment: This missense variant replaces glycine with serine at codon 4662 of the RYR2 protein. Computational prediction suggests that this variant may have deleterious impact on protein structure and function (internally defined REVEL score threshold >= 0.7, PMID: 27666373). To our knowledge, functional studies have not been reported for this variant. This variant has been reported in an individual affected with catecholaminergic polymorphic ventricular tachycardia (PMID: 16272262) and in another individual affected with or suspected of having catecholaminergic polymorphic ventricular tachycardia (PMID: 19926015). This variant has been identified in 4/274980 chromosomes in the general population by the Genome Aggregation Database (gnomAD). The available evidence is insufficient to determine the role of this variant in disease conclusively. Therefore, this variant is classified as a Variant of Uncertain Significance.

This study involves interpretation of variants in research participants for the purpose of population health screening. Participant phenotype was not available at the time of variant classification. Additional details can be found in publication PMID: 35346344, PMCID: PMC8962531

Women's Health and Genetics/Laboratory Corporation of America, LabCorp
Classification: Uncertain significance. Last evaluated: 2020-11-16. Review status: criteria provided, single submitter. Criteria: LabCorp Variant Classification Summary - May 2015. Collection method: clinical testing. Allele origin: germline.
Comment: Variant summary: RYR2 c.13984G>A (p.Gly4662Ser) results in a non-conservative amino acid change in the encoded protein sequence. Four of five in-silico tools predict a damaging effect of the variant on protein function. The variant allele was found at a frequency of 1.2e-05 in 243586 control chromosomes. The available data on variant occurrences in the general population are insufficient to allow any conclusion about variant significance. c.13984G>A has been reported in the literature in at least one individual affected with Catecholaminergic Polymorphic Ventricular Tachycardia. This report does not provide unequivocal conclusions about association of the variant with Catecholaminergic Polymorphic Ventricular Tachycardia. To our knowledge, no experimental evidence demonstrating an impact on protein function has been reported. Three clinical diagnostic laboratories have submitted clinical-significance assessments for this variant to ClinVar after 2014 without evidence for independent evaluation. All laboratories classified the variant as uncertain significance. Based on the evidence outlined above, the variant was classified as uncertain significance.

Illumina Laboratory Services, Illumina
Classification: Uncertain significance for Catecholaminergic polymorphic ventricular tachycardia 1. Last evaluated: 2017-04-27. Review status: criteria provided, single submitter. Criteria: ICSL Variant Classification Criteria 13 December 2019. Collection method: clinical testing. Allele origin: germline.

Illumina Laboratory Services, Illumina
Classification: Uncertain significance for Catecholaminergic polymorphic ventricular tachycardia 1. Last evaluated: 2017-04-27. Review status: criteria provided, single submitter. Criteria: ICSL Variant Classification Criteria 13 December 2019. Collection method: clinical testing. Allele origin: germline.
Comment: This variant was observed as part of a predisposition screen in an ostensibly healthy population. A literature search was performed for the gene, cDNA change, and amino acid change (where applicable). Publications were found based on this search. However, the evidence from the literature, in combination with allele frequency data from public databases where available, was not sufficient to rule this variant in or out of causing disease. Therefore, this variant is classified as a variant of unknown significance.

GeneDx
Classification: Uncertain significance. Last evaluated: 2017-03-17. Review status: criteria provided, single submitter. Criteria: GeneDx Variant Classification (06012015). Collection method: clinical testing. Allele origin: germline. Affected: yes.
Comment: A variant of uncertain significance has been identified in the RYR2 gene. The G4662S variant has been previously reported in at least one individual with CPVT (Postma et al., 2005; Hayashi et al., 2009). Although familial testing was not completed in the deceased brother, the G4662S variant was paternally inherited, and the H4762P variant was maternally inherited and present in her two children, and these relatives were all clinically unaffected (Postma et al., 2005). Nevertheless, the G4662S variant is not observed in large population cohorts (Lek et al., 2016; 1000 Genomes Consortium et al., 2015; Exome Variant Server). The G4662S variant is a non-conservative amino acid substitution, which is likely to impact secondary protein structure as these residues differ in polarity, charge, size and/or other properties. Moreover, this substitution occurs at a position that is conserved across species and in silico analysis predicts this variant is probably damaging to the protein structure/function. Furthermore, G4662S is located in one of the three hot-spot regions of the RYR2 gene, where the majority of pathogenic missense variants occur (Medeiros-Domingo et al., 2009). However, this variant has not been observed in a significant number of affected individuals and it lacks large segregation studies and functional evidence, which would further clarify its role in disease. Finally, this variant is also classified in ClinVar as a variant of uncertain significance by a different clinical laboratory (ClinVar SCV000320684.1; Landrum et al., 2016).

Literature cited by the submitters: PubMed 16272262 (cited by 5 submitters); PubMed 32152366 (cited by Labcorp Genetics (formerly Invitae), Labcorp); PubMed 19926015 (cited by 3 submitters); PubMed 19398665 (cited by Illumina Laboratory Services, Illumina).